The following is an entry in ClinVar:

ClinVar aggregate classification (germline): Uncertain significance (1 of 4 stars; one submission).

Conditions:
Landau-Kleffner syndrome (FESD). Also called: APHASIA, ACQUIRED, WITH EPILEPSY; EPILEPSY, FOCAL, WITH SPEECH DISORDER AND WITH OR WITHOUT MENTAL RETARDATION. Identifiers: Orphanet 1945, Orphanet 725, Orphanet 98818, MedGen C0282512, MONDO:0009509, OMIM 245570.

Submission:

Labcorp Genetics (formerly Invitae), Labcorp
Classification: Uncertain significance for Landau-Kleffner syndrome. Last evaluated: 2024-04-05. Review status: criteria provided, single submitter. Criteria: Invitae Variant Classification Sherloc (09022015). Collection method: clinical testing. Allele origin: germline.
Comment: This sequence change replaces proline, which is neutral and non-polar, with threonine, which is neutral and polar, at codon 699 of the GRIN2A protein (p.Pro699Thr). This variant is not present in population databases (gnomAD no frequency). This variant has not been reported in the literature in individuals affected with GRIN2A-related conditions. Advanced modeling of protein sequence and biophysical properties (such as structural, functional, and spatial information, amino acid conservation, physicochemical variation, residue mobility, and thermodynamic stability) has been performed at Invitae for this missense variant, however the output from this modeling did not meet the statistical confidence thresholds required to predict the impact of this variant on GRIN2A protein function. This variant disrupts the p.Pro699 amino acid residue in GRIN2A. Other variant(s) that disrupt this residue have been determined to be pathogenic (PMID: 23933819, 27839871). This suggests that this residue is clinically significant, and that variants that disrupt this residue are likely to be disease-causing. In summary, the available evidence is currently insufficient to determine the role of this variant in disease. Therefore, it has been classified as a Variant of Uncertain Significance.

Literature cited by the submitters: PubMed 23933819; PubMed 27839871.

NM_001134407.3(GRIN2A):c.2095C>A (p.Pro699Thr)

Gene: GRIN2A (glutamate ionotropic receptor NMDA type subunit 2A; minus strand). Cytogenetic location: 16p13.2.
Variant type: single nucleotide variant.
Coding change: c.2095C>A on transcript NM_001134407.3 (MANE Select); coding-DNA position 2095, C replaced by A.
Protein change: p.Pro699Thr; replaces proline 699 with threonine.
Molecular consequence: missense variant.
Genome position (GRCh38, 1-based): chr16:9,822,337, G>T on the plus strand (C>A on the coding strand, the complement: GRIN2A is on the minus strand). VCF-style: chr16-9822337-G-T. GRCh37 (hg19) VCF-style: chr16-9916194-G-T.
Other names: c.2095C>A, p.Pro699Thr (NM_000833.5, NM_001134408.2); short protein forms P699T.
Identifiers: ClinVar variation 2707140 (VCV002707140.3), dbSNP rs1555491648, ClinGen allele CA394797816.